The following is an entry in ClinVar:

NM_001377.3(DYNC2H1):c.1361-2A>T

Gene: DYNC2H1 (dynein cytoplasmic 2 heavy chain 1; plus strand). Cytogenetic location: 11q22.3.
Variant type: single nucleotide variant.
Coding change: c.1361-2A>T on transcript NM_001377.3 (MANE Select); the canonical splice acceptor site of the intron before coding-DNA position 1361, A replaced by T.
Molecular consequence: splice acceptor variant.
Genome position (GRCh38, 1-based): chr11:103,121,370, A>T. VCF-style: chr11-103121370-A-T. GRCh37 (hg19) VCF-style: chr11-102992099-A-T.
Other names: c.1361-2A>T (NM_001080463.2).
Identifiers: ClinVar variation 2636427 (VCV002636427.1), dbSNP rs1858699106, ClinGen allele CA382251671.

ClinVar aggregate classification (germline): Likely pathogenic (1 of 4 stars; one submission).

Conditions:
DYNC2H1-related disorder. Also called: DYNC2H1-related condition; DYNC2H1-related disorders. Identifiers: MedGen CN378770.

Allele frequency attached by ClinVar (database versions not stated): gnomAD exomes below 0.00001; TOPMed below 0.00001.
gnomAD v4.1: 2 of 1,591,196 alleles (0.00013%); highest among the groups gnomAD compares: South Asian, 0.0023%; no homozygotes.

Submission:

PreventionGenetics, part of Exact Sciences
Classification: Likely pathogenic for DYNC2H1-related condition. Last evaluated: 2022-08-26. Review status: criteria provided, single submitter. Criteria: ACMG Guidelines, 2015. Collection method: clinical testing. Allele origin: germline.
Comment: The DYNC2H1 c.1361-2A>T variant is predicted to disrupt the AG splice acceptor site and interfere with normal splicing. To our knowledge, this variant has not been reported in the literature or in a large population database, indicating this variant is rare. Variants that disrupt the consensus splice acceptor site in DYNC2H1 are expected to be pathogenic. This variant is interpreted as likely pathogenic.